The following is an entry in ClinVar:

ClinVar aggregate classification (germline): Uncertain significance (1 of 4 stars; one submission).

Submission:

Labcorp Genetics (formerly Invitae), Labcorp
Classification: Uncertain significance. Last evaluated: 2024-10-30. Review status: criteria provided, single submitter. Criteria: Invitae Variant Classification Sherloc (09022015). Collection method: clinical testing. Allele origin: germline.
Comment: This sequence change replaces methionine, which is neutral and non-polar, with isoleucine, which is neutral and non-polar, at codon 463 of the MCM2 protein (p.Met463Ile). This variant is not present in population databases (gnomAD no frequency). This variant has not been reported in the literature in individuals affected with MCM2-related conditions. Invitae Evidence Modeling of protein sequence and biophysical properties (such as structural, functional, and spatial information, amino acid conservation, physicochemical variation, residue mobility, and thermodynamic stability) indicates that this missense variant is not expected to disrupt MCM2 protein function with a negative predictive value of 80%. In summary, the available evidence is currently insufficient to determine the role of this variant in disease. Therefore, it has been classified as a Variant of Uncertain Significance.

NM_004526.4(MCM2):c.1389G>A (p.Met463Ile)

Gene: MCM2 (minichromosome maintenance complex component 2; plus strand). Cytogenetic location: 3q21.3.
Variant type: single nucleotide variant.
Coding change: c.1389G>A on transcript NM_004526.4 (MANE Select); coding-DNA position 1389, G replaced by A.
Protein change: p.Met463Ile; replaces methionine 463 with isoleucine.
Molecular consequence: missense variant. On other transcripts: non-coding transcript variant (1).
Genome position (GRCh38, 1-based): chr3:127,608,984, G>A. VCF-style: chr3-127608984-G-A. GRCh37 (hg19) VCF-style: chr3-127327827-G-A.
Other names: short protein forms M463I.
Identifiers: ClinVar variation 3703543 (VCV003703543.2).